The following is an entry in ClinVar:

ClinVar aggregate classification (germline): Uncertain significance (1 of 4 stars; one submission).

Submission:

GeneDx
Classification: Uncertain significance. Last evaluated: 2020-04-10. Review status: criteria provided, single submitter. Criteria: GeneDx Variant Classification Process June 2021. Collection method: clinical testing. Allele origin: germline. Affected: yes.
Comment: Not observed in large population cohorts (Lek et al., 2016); In silico analysis supports that this missense variant does not alter protein structure/function; Has not been previously published as pathogenic or benign to our knowledge

NM_006186.4(NR4A2):c.1764T>G (p.Ile588Met)

Gene: NR4A2 (nuclear receptor subfamily 4 group A member 2; minus strand). Cytogenetic location: 2q24.1.
Variant type: single nucleotide variant.
Coding change: c.1764T>G on transcript NM_006186.4 (MANE Select); coding-DNA position 1764, T replaced by G.
Protein change: p.Ile588Met; replaces isoleucine 588 with methionine.
Molecular consequence: missense variant.
Genome position (GRCh38, 1-based): chr2:156,325,777, A>C on the plus strand (T>G on the coding strand, the complement: NR4A2 is on the minus strand). VCF-style: chr2-156325777-A-C. GRCh37 (hg19) VCF-style: chr2-157182289-A-C.
Other names: c.1575T>G, p.Ile525Met (NM_173173.3); short protein forms I525M, I588M.
Identifiers: ClinVar variation 1303909 (VCV001303909.2), dbSNP rs2105590682, ClinGen allele CA348679295.